The following is an entry in ClinVar:

NM_018180.3(DHX32):c.1714_1716del (p.Arg572del)

Genes: BCCIP (BRCA2 and CDKN1A interacting protein; plus strand), DHX32 (DEAH-box helicase 32 (putative); minus strand). Cytogenetic location: 10q26.2.
Variant type: Deletion.
Coding change: c.1714_1716del on transcript NM_018180.3 (MANE Select); coding-DNA positions 1714 to 1716, 3 bases deleted (CGT; older notation c.1714_1716delCGT).
Protein change: p.Arg572del; deletes arginine 572.
Molecular consequence: inframe deletion. On other transcripts: intron variant (2).
Genome position (GRCh38, 1-based): chr10:125,839,166-125,839,168, ACG deleted on the plus strand (CGT on the coding strand, the reverse complement: DHX32 is on the minus strand); deleting any 3 consecutive bases within chr10:125,839,166-125,839,170 gives the same sequence; the c. name uses the placement nearest the transcript's 3' end. VCF-style (leftmost placement, unchanged base first): chr10-125839165-CACG-C. GRCh37 (hg19) VCF-style: chr10-127527734-CACG-C.
Other names: c.775-2087_775-2085del (NM_016567.4, NM_078469.3); short protein forms R572del.
Identifiers: ClinVar variation 1926797 (VCV001926797.4), dbSNP rs758852617, ClinGen allele CA5739068.
Genomic context (GRCh38, chr10:125,839,165, plus strand): 5'-CTAAGAGTTCAGCTCGAATAACATCTGCCATTCTGAGTGCTGAACAGTTGAGGAAGTAAT[CACG>C]ACACCACTTTTCCACACAGTCTAGGAGGGAAAGAACACAAGGCTATTTAGAAATGATTTG-3'

ClinVar aggregate classification (germline): Uncertain significance (1 of 4 stars; one submission).

Submission:

Labcorp Genetics (formerly Invitae), Labcorp
Classification: Uncertain significance. Last evaluated: 2022-08-19. Review status: criteria provided, single submitter. Criteria: Invitae Variant Classification Sherloc (09022015). Collection method: clinical testing. Allele origin: germline.
Comment: This variant, c.1714_1716del, results in the deletion of 1 amino acid(s) of the DHX32 protein (p.Arg572del), but otherwise preserves the integrity of the reading frame. This variant is present in population databases (rs758852617, gnomAD 0.006%). This variant has not been reported in the literature in individuals affected with DHX32-related conditions. Experimental studies and prediction algorithms are not available or were not evaluated, and the functional significance of this variant is currently unknown. In summary, the available evidence is currently insufficient to determine the role of this variant in disease. Therefore, it has been classified as a Variant of Uncertain Significance.